The following is an entry in ClinVar:

ClinVar aggregate classification (germline): Conflicting classifications of pathogenicity. Review status: criteria provided, conflicting classifications (1 of 4 stars). 3 submissions from 3 submitters: Uncertain significance (2); Likely benign (1). Last evaluated 2026-09-08.

Conditions:
POLD1-related polyposis and colorectal cancer syndrome (CRCS10). Also called: Colorectal cancer, susceptibility to, 10; Colorectal cancer 10; COLORECTAL CANCER, SUSCEPTIBILITY TO, ON CHROMOSOME 19q. Identifiers: Orphanet 220460, MedGen C2675481, MONDO:0012953, OMIM 612591.
Hereditary cancer-predisposing syndrome. Also called: Neoplastic Syndromes, Hereditary; Hereditary neoplastic syndrome; Hereditary Cancer Syndrome; Tumor predisposition. Identifiers: Orphanet 140162, MedGen C0027672, MeSH D009386, MONDO:0015356.

Allele frequency attached by ClinVar (database versions not stated): gnomAD 0.00006; TOPMed 0.00004.
gnomAD v4.1: 26 of 1,613,916 alleles (0.0016%); highest among the groups gnomAD compares: Admixed American, 0.017%; no homozygotes.

Submissions (3):

GeneDx
Classification: Uncertain significance. Last evaluated: 2026-09-08. Review status: criteria provided, single submitter. Criteria: GeneDx Variant Classification Process June 2021. Collection method: clinical testing. Allele origin: germline.
Comment: In silico analysis suggests that this missense variant does not alter protein structure/function; Observed in individuals with bladder cancer (PMID: 32265515); This variant is associated with the following publications: (PMID: 29056344, 37105989, 32265515)

Labcorp Genetics (formerly Invitae), Labcorp
Classification: Uncertain significance for POLD1-related polyposis and colorectal cancer syndrome. Last evaluated: 2025-12-28. Review status: criteria provided, single submitter. Criteria: Invitae Variant Classification Sherloc (09022015). Collection method: clinical testing. Allele origin: germline.
Comment: This sequence change replaces glycine, which is neutral and non-polar, with arginine, which is basic and polar, at codon 178 of the POLD1 protein (p.Gly178Arg). This variant is present in population databases (rs140707092, gnomAD 0.02%). This missense change has been observed in individual(s) with bladder cancer (PMID: 32265515). ClinVar contains an entry for this variant (Variation ID: 407982). An algorithm developed to predict the effect of missense changes on protein structure and function (PolyPhen-2) suggests that this variant is likely to be disruptive. In summary, the available evidence is currently insufficient to determine the role of this variant in disease. Therefore, it has been classified as a Variant of Uncertain Significance.

Ambry Genetics
Classification: Likely benign for Hereditary cancer-predisposing syndrome. Last evaluated: 2024-09-11. Review status: criteria provided, single submitter. Criteria: Ambry Variant Classification Scheme 2023. Collection method: clinical testing. Allele origin: germline.

Literature cited by the submitters: PubMed 32265515 (cited by Labcorp Genetics (formerly Invitae), Labcorp).

NM_002691.4(POLD1):c.532G>A (p.Gly178Arg)

Gene: POLD1 (DNA polymerase delta 1, catalytic subunit; plus strand). Cytogenetic location: 19q13.33.
Variant type: single nucleotide variant.
Coding change: c.532G>A on transcript NM_002691.4 (MANE Select); coding-DNA position 532, G replaced by A.
Protein change: p.Gly178Arg; replaces glycine 178 with arginine.
Molecular consequence: missense variant. On other transcripts: non-coding transcript variant (1).
Genome position (GRCh38, 1-based): chr19:50,402,067, G>A. VCF-style: chr19-50402067-G-A. GRCh37 (hg19) VCF-style: chr19-50905324-G-A.
Other names: c.532G>A, p.Gly178Arg (NM_001256849.1, NM_001308632.1); c.532G>A (NM_002691.2); short protein forms G178R.
Identifiers: ClinVar variation 407982 (VCV000407982.15), dbSNP rs140707092, ClinGen allele CA9595781.